The following is an entry in ClinVar:

ClinVar aggregate classification (germline): Uncertain significance (1 of 4 stars; one submission).

Conditions:
Muscular dystrophy-dystroglycanopathy (congenital with impaired intellectual development), type B, 14. Also called: MUSCULAR DYSTROPHY, CONGENITAL, GMPPB-RELATED; Congenital muscular dystrophy-dystroglycanopathy with mental retardation, type B14; Muscular dystrophy-dystroglycanopathy (congenital with intellectual disability), type B14. Identifiers: MedGen C3809221, MONDO:0014141, OMIM 615351.
Muscular dystrophy-dystroglycanopathy (congenital with brain and eye anomalies), type A14. Also called: WALKER-WARBURG SYNDROME OR MUSCLE-EYE-BRAIN DISEASE, GMPPB-RELATED; Muscular dystrophy-dystroglycanopathy (congenital with brain and eye anomalies), type a, 14; Congenital Muscular Dystrophy-Dystroglycanopathy with Brain and Eye Anomalies Type A 14; Congenital muscular dystrophy-dystroglycanopathy with brain and eye anomalies, type A14. Identifiers: Orphanet 588, MedGen C3809216, MONDO:0014140, OMIM 615350.
Autosomal recessive limb-girdle muscular dystrophy type 2T. Also called: MUSCULAR DYSTROPHY-DYSTROGLYCANOPATHY, LIMB-GIRDLE, GMPPB-RELATED; MUSCULAR DYSTROPHY, LIMB-GIRDLE, TYPE 2T; Muscular dystrophy-dystroglycanopathy (limb-girdle), type c, 14; Limb-girdle muscular dystrophy-dystroglycanopathy, type C14. Identifiers: Orphanet 363623, MedGen C4518000, MONDO:0014142, OMIM 615352.

Submission:

Human Genetics Bochum, Ruhr University Bochum
Classification: Uncertain significance for Muscular dystrophy-dystroglycanopathy (congenital with brain and eye anomalies), type A14; Muscular dystrophy-dystroglycanopathy (congenital with impaired intellectual development), type B, 14; Autosomal recessive limb-girdle muscular dystrophy type 2T. Last evaluated: 2024-07-12. Review status: criteria provided, single submitter. Criteria: ACMG Guidelines, 2015. Collection method: clinical testing. Allele origin: germline. Affected: yes.
Comment: was identified together with GMPPB:c.79G>C; ACMG criteria used to clasify this variant: PM1_SUP, PM2_SUP, PP2

NM_021971.4(GMPPB):c.958A>G (p.Met320Val)

Gene: GMPPB (GDP-mannose pyrophosphorylase B; minus strand). Cytogenetic location: 3p21.31.
Variant type: single nucleotide variant.
Coding change: c.958A>G on transcript NM_021971.4 (MANE Select); coding-DNA position 958, A replaced by G.
Protein change: p.Met320Val; replaces methionine 320 with valine.
Molecular consequence: missense variant.
Genome position (GRCh38, 1-based): chr3:49,721,877, T>C on the plus strand (A>G on the coding strand, the complement: GMPPB is on the minus strand). VCF-style: chr3-49721877-T-C. GRCh37 (hg19) VCF-style: chr3-49759310-T-C.
Other names: c.1039A>G, p.Met347Val (NM_013334.4); short protein forms M320V, M347V.
Identifiers: ClinVar variation 4688001 (VCV004688001.1).